The following is an entry in ClinVar:

ClinVar aggregate classification (germline): Uncertain significance. Review status: criteria provided, multiple submitters, no conflicts (2 of 4 stars). 2 submissions from 2 submitters: Uncertain significance (2). Last evaluated 2024-04-11.

Conditions:
Developmental delay with or without dysmorphic facies and autism. Identifiers: MedGen C5193106, MONDO:0032760, OMIM 618454.

Allele frequency attached by ClinVar (database versions not stated): ExAC 0.00001; TOPMed 0.00001; gnomAD exomes below 0.00001.
gnomAD v4.1: 7 of 1,614,068 alleles (0.00043%); highest among the groups gnomAD compares: East Asian, 0.0022%; no homozygotes.

Submissions (2):

Pittsburgh Clinical Genomics Laboratory, University of Pittsburgh Medical Center
Classification: Uncertain significance for Developmental delay with or without dysmorphic facies and autism. Last evaluated: 2024-04-11. Review status: criteria provided, single submitter. Criteria: ACMG Guidelines, 2015. Collection method: clinical testing. Allele origin: germline. Inheritance: Autosomal dominant inheritance. Affected: yes.
Comment: This sequence variant is a single nucleotide substitution (C>T) at position 7423 of the coding sequence of the TRRAP gene that results in an arginine to cysteine amino acid change at residue 2475 of the transformation/transcription domain associated protein. This variant is absent from ClinVar and has not been observed in individuals affected by a TRRAP-related disorder in the published literature, to our knowledge. This variant is present in 7 of 1461886 alleles (0.00048%) in the gnomAD v4.0.0 population dataset. Multiple bioinformatic tools predict that this amino acid change would be damaging, and the Arg2475 residue at this position is highly conserved across the vertebrate species examined. Studies examining the functional consequence of this variant have not been published, to our knowledge. At this time, there is insufficient evidence to determine if this variant is pathogenic or benign. Therefore, we consider this a variant of uncertain significance. ACMG Criteria: PM2, PP3

Labcorp Genetics (formerly Invitae), Labcorp
Classification: Uncertain significance. Last evaluated: 2023-11-28. Review status: criteria provided, single submitter. Criteria: Invitae Variant Classification Sherloc (09022015). Collection method: clinical testing. Allele origin: germline.
Comment: This sequence change replaces arginine, which is basic and polar, with cysteine, which is neutral and slightly polar, at codon 2450 of the TRRAP protein (p.Arg2450Cys). This variant is present in population databases (rs781304198, gnomAD 0.0009%). This variant has not been reported in the literature in individuals affected with TRRAP-related conditions. Advanced modeling of protein sequence and biophysical properties (such as structural, functional, and spatial information, amino acid conservation, physicochemical variation, residue mobility, and thermodynamic stability) performed at Invitae indicates that this missense variant is not expected to disrupt TRRAP protein function with a negative predictive value of 80%. In summary, the available evidence is currently insufficient to determine the role of this variant in disease. Therefore, it has been classified as a Variant of Uncertain Significance.

NM_001375524.1(TRRAP):c.7423C>T (p.Arg2475Cys)

Gene: TRRAP (transformation/transcription domain associated protein; plus strand). Cytogenetic location: 7q22.1.
Variant type: single nucleotide variant.
Coding change: c.7423C>T on transcript NM_001375524.1 (MANE Select); coding-DNA position 7423, C replaced by T.
Protein change: p.Arg2475Cys; replaces arginine 2475 with cysteine.
Molecular consequence: missense variant.
Genome position (GRCh38, 1-based): chr7:98,967,609, C>T. VCF-style: chr7-98967609-C-T. GRCh37 (hg19) VCF-style: chr7-98565232-C-T.
Other names: c.7402C>T, p.Arg2468Cys (NM_001244580.2); c.7348C>T, p.Arg2450Cys (NM_003496.4); short protein forms R2450C, R2468C, R2475C.
Identifiers: ClinVar variation 3012846 (VCV003012846.4), dbSNP rs781304198, ClinGen allele CA4361137.
Genomic context (GRCh38, chr7:98,967,609, plus strand): 5'-CGCTGTGCCCAGCCACTCATCAGGGCAAAGTTTTTCGAGGTTTTTGACAACTCCATGAAA[C>T]GTCGTGTCTACGAGCGCTTGCTCTATGTGACCTGTTCGCAGAACTGGGAAGCCATGGGGA-3'
Protein context (NP_001362453.1, residues 2465-2485): FFEVFDNSMK[Arg2475Cys]RVYERLLYVT